The following is an entry in ClinVar:

NM_006904.7(PRKDC):c.8300C>G (p.Ala2767Gly)

Gene: PRKDC (protein kinase, DNA-activated, catalytic subunit; minus strand). Cytogenetic location: 8q11.21.
Variant type: single nucleotide variant.
Coding change: c.8300C>G on transcript NM_006904.7 (MANE Select); coding-DNA position 8300, C replaced by G.
Protein change: p.Ala2767Gly; replaces alanine 2767 with glycine.
Molecular consequence: missense variant.
Genome position (GRCh38, 1-based): chr8:47,830,702, G>C on the plus strand (C>G on the coding strand, the complement: PRKDC is on the minus strand). VCF-style: chr8-47830702-G-C. GRCh37 (hg19) VCF-style: chr8-48743263-G-C.
Other names: c.8300C>G, p.Ala2767Gly (NM_001081640.2); short protein forms A2767G.
Identifiers: ClinVar variation 1762842 (VCV001762842.2), dbSNP rs2551866637, ClinGen allele CA371147177.

ClinVar aggregate classification (germline): Uncertain significance (1 of 4 stars; one submission).

Submission:

Ambry Genetics
Classification: Uncertain significance. Last evaluated: 2022-04-19. Review status: criteria provided, single submitter. Criteria: Ambry Variant Classification Scheme 2023. Collection method: clinical testing. Allele origin: germline.
Comment: The p.A2767G variant (also known as c.8300C>G), located in coding exon 61 of the PRKDC gene, results from a C to G substitution at nucleotide position 8300. The alanine at codon 2767 is replaced by glycine, an amino acid with similar properties. This amino acid position is conserved. Since supporting evidence is limited at this time, the clinical significance of this alteration remains unclear.